The following is an entry in ClinVar:

NM_004415.4(DSP):c.7745T>G (p.Phe2582Cys)

Gene: DSP (desmoplakin; plus strand). Cytogenetic location: 6p24.3.
Variant type: single nucleotide variant.
Coding change: c.7745T>G on transcript NM_004415.4 (MANE Select); coding-DNA position 7745, T replaced by G.
Protein change: p.Phe2582Cys; replaces phenylalanine 2582 with cysteine.
Molecular consequence: missense variant.
Genome position (GRCh38, 1-based): chr6:7,585,007, T>G. VCF-style: chr6-7585007-T-G. GRCh37 (hg19) VCF-style: chr6-7585240-T-G.
Other names: c.5948T>G, p.Phe1983Cys (NM_001008844.3); c.6416T>G, p.Phe2139Cys (NM_001319034.2); short protein forms F2582C, F1983C, F2139C.
Identifiers: ClinVar variation 195821 (VCV000195821.25), dbSNP rs751712837, ClinGen allele CA007266.

ClinVar aggregate classification (germline): Conflicting classifications of pathogenicity. Review status: criteria provided, conflicting classifications (1 of 4 stars). 9 submissions from 9 submitters: Uncertain significance (5); Likely benign (2). 2 of the submissions do not count toward it. Last evaluated 2026-03-03.

Conditions:
Cardiovascular phenotype. Identifiers: MedGen CN230736.
Keratosis palmoplantaris striata 2. Also called: KERATODERMA, PALMOPLANTAR, STRIATE FORM II; STRIATE PALMOPLANTAR KERATODERMA II; Keratosis palmoplantaris striata II. Identifiers: MedGen C1852127, MONDO:0013034, OMIM 612908.
Arrhythmogenic cardiomyopathy with wooly hair and keratoderma. Also called: PALMOPLANTAR KERATODERMA WITH LEFT VENTRICULAR CARDIOMYOPATHY AND WOOLLY HAIR; Arrhythmogenic cardiomyopathy with woolly hair and keratoderma; Carvajal syndrome; Dilated cardiomyopathy with woolly hair and keratoderma. Identifiers: Orphanet 65282, MedGen C1854063, MONDO:0011581, OMIM 605676.
Arrhythmogenic right ventricular dysplasia 8 (ARVD8). Also called: Arrhythmogenic Right Ventricular Dysplasia/Cardiomyopathy 8; ARRHYTHMOGENIC RIGHT VENTRICULAR DYSPLASIA, FAMILIAL, 8; ARRHYTHMOGENIC RIGHT VENTRICULAR CARDIOMYOPATHY 8. Identifiers: MedGen C1843896, MONDO:0011831, OMIM 607450.
Lethal acantholytic epidermolysis bullosa (EBLA). Identifiers: Orphanet 158687, MedGen C1864826, MONDO:0012323, OMIM 609638.
Cardiomyopathy, dilated, with wooly hair, keratoderma, and tooth agenesis. Also called: Cardiomyopathy, dilated, with woolly hair, keratoderma, and tooth agenesis; Erythrokeratodermia-cardiomyopathy syndrome. Identifiers: Orphanet 476096, Orphanet 65282, MedGen C4014393, MONDO:0014355, OMIM 615821.
Woolly hair-skin fragility syndrome (WHSF). Identifiers: Orphanet 293165, MedGen C1843292, MONDO:0957307, OMIM 620415.
Cardiomyopathy (CMYO). Also called: Cardiomyopathies. Identifiers: Orphanet 167848, MedGen C0878544, MONDO:0004994, HP:0001638. Inheritance: Various modes of inheritance.

Allele frequency attached by ClinVar (database versions not stated): gnomAD 0.00001; gnomAD exomes 0.00001; TOPMed 0.00001; ExAC 0.00002.
gnomAD v4.1: 21 of 1,614,094 alleles (0.0013%); highest among the groups gnomAD compares: African/African-American, 0.019%; no homozygotes.

Submissions (9):

Women's Health and Genetics/Laboratory Corporation of America, LabCorp
Classification: Uncertain significance. Last evaluated: 2026-03-03. Review status: criteria provided, single submitter. Criteria: LabCorp Variant Classification Summary - May 2015. Collection method: clinical testing. Allele origin: germline.
Comment: Variant summary: DSP c.7745T>G (p.Phe2582Cys) results in a non-conservative amino acid change in the encoded protein sequence. Algorithms developed to predict the effect of missense changes on protein structure and function are either unavailable or do not agree on the potential impact of this missense change. The variant allele was found at a frequency of 1.2e-05 in 251492 control chromosomes. The available data on variant occurrences in the general population are insufficient to allow any conclusion about variant significance. c.7745T>G has been observed in an individual affected with dilated cardiomyopathy and in a case of stillbirth (Sahlin_2019, Lenarduzzi_2023). These reports do not provide unequivocal conclusions about association of the variant with Arrhythmogenic Right Ventricular Dysplasia/Cardiomyopathy or other DSP-related conditions. To our knowledge, no experimental evidence demonstrating an impact on protein function has been reported. The following publications have been ascertained in the context of this evaluation (PMID: 36788754, 30615648). ClinVar contains an entry for this variant (Variation ID: 195821). Based on the evidence outlined above, the variant was classified as uncertain significance.

Labcorp Genetics (formerly Invitae), Labcorp
Classification: Likely benign for Arrhythmogenic cardiomyopathy with wooly hair and keratoderma; Arrhythmogenic right ventricular dysplasia 8. Last evaluated: 2025-12-03. Review status: criteria provided, single submitter. Criteria: Invitae Variant Classification Sherloc (09022015). Collection method: clinical testing. Allele origin: germline.

Ambry Genetics
Classification: Uncertain significance for Cardiovascular phenotype. Last evaluated: 2025-08-05. Review status: criteria provided, single submitter. Criteria: Ambry Variant Classification Scheme 2023. Collection method: clinical testing. Allele origin: germline.

Color Diagnostics, LLC DBA Color Health
Classification: Likely benign for Cardiomyopathy. Last evaluated: 2024-04-09. Review status: criteria provided, single submitter. Criteria: ACMG Guidelines, 2015. Collection method: clinical testing. Allele origin: germline.

All of Us Research Program, National Institutes of Health
Classification: Uncertain significance for Arrhythmogenic cardiomyopathy with wooly hair and keratoderma. Last evaluated: 2024-02-05. Review status: criteria provided, single submitter. Criteria: ACMG Guidelines, 2015. Collection method: clinical testing. Allele origin: germline. Inheritance: Autosomal dominant inheritance. Observed: 4 variant alleles, 4 heterozygotes.
Comment: This missense variant replaces phenylalanine with cysteine at codon 2582 of the DSP protein. Computational prediction suggests that this variant may not impact protein structure and function (internally defined REVEL score threshold <= 0.5, PMID: 27666373). To our knowledge, functional studies have not been reported for this variant. This variant has not been reported in individuals affected with DSP-related disorders in the literature, however it has been reported as an exome sequencing finding in an individual affected ichthyosis vulgaris and atopic dermatitis (PMID: 25819062). This variant has been identified in 3/251492 chromosomes in the general population by the Genome Aggregation Database (gnomAD). The available evidence is insufficient to determine the role of this variant in disease conclusively. Therefore, this variant is classified as a Variant of Uncertain Significance.

This study involves interpretation of variants in research participants for the purpose of population health screening. Participant phenotype was not available at the time of variant classification. Additional details can be found in publication PMID: 35346344, PMCID: PMC8962531

Fulgent Genetics
Classification: Uncertain significance for Arrhythmogenic cardiomyopathy with wooly hair and keratoderma; Arrhythmogenic right ventricular dysplasia 8; Lethal acantholytic epidermolysis bullosa; Keratosis palmoplantaris striata 2; Cardiomyopathy, dilated, with wooly hair, keratoderma, and tooth agenesis. Last evaluated: 2021-09-20. Review status: criteria provided, single submitter. Criteria: ACMG Guidelines, 2015. Collection method: clinical testing. Allele origin: unknown.

Eurofins Ntd Llc (ga)
Classification: Uncertain significance. Last evaluated: 2014-12-16. Review status: criteria provided, single submitter. Criteria: EGL Classification Definitions 2015. Collection method: clinical testing. Allele origin: germline. Observed: 1 variant allele, 1 heterozygote.

Clinical Genetics, Academic Medical Center
Classification: Uncertain significance. Review status: no assertion criteria provided. Collection method: clinical testing. Allele origin: germline. Affected: yes. Study: VKGL Data-share Consensus. Not counted in ClinVar's aggregate classification.

Joint Genome Diagnostic Labs from Nijmegen and Maastricht, Radboudumc and MUMC+
Classification: Uncertain significance. Review status: no assertion criteria provided. Collection method: clinical testing. Allele origin: germline. Affected: yes. Study: VKGL Data-share Consensus. Not counted in ClinVar's aggregate classification.

Literature cited by the submitters: PubMed 30615648 (cited by Women's Health and Genetics/Laboratory Corporation of America, LabCorp); PubMed 36788754 (cited by Women's Health and Genetics/Laboratory Corporation of America, LabCorp); PubMed 25819062 (cited by All of Us Research Program, National Institutes of Health).